The following is an entry in ClinVar:

ClinVar aggregate classification (germline): Uncertain significance (1 of 4 stars; one submission).

Submission:

GeneDx
Classification: Uncertain significance. Last evaluated: 2023-01-16. Review status: criteria provided, single submitter. Criteria: GeneDx Variant Classification Process June 2021. Collection method: clinical testing. Allele origin: germline. Affected: yes.
Comment: Not observed at significant frequency in large population cohorts (gnomAD); In silico analysis supports that this missense variant has a deleterious effect on protein structure/function; Has not been previously published as pathogenic or benign to our knowledge

NM_001318852.2(MAPK8IP3):c.3689A>G (p.Gln1230Arg)

Gene: MAPK8IP3 (mitogen-activated protein kinase 8 interacting protein 3; plus strand). Cytogenetic location: 16p13.3.
Variant type: single nucleotide variant.
Coding change: c.3689A>G on transcript NM_001318852.2 (MANE Select); coding-DNA position 3689, A replaced by G.
Protein change: p.Gln1230Arg; replaces glutamine 1230 with arginine.
Molecular consequence: missense variant.
Genome position (GRCh38, 1-based): chr16:1,768,325, A>G. VCF-style: chr16-1768325-A-G. GRCh37 (hg19) VCF-style: chr16-1818326-A-G.
Other names: c.3668A>G, p.Gln1223Arg (NM_001040439.2); c.3686A>G, p.Gln1229Arg (NM_015133.5, NM_033392.3); short protein forms Q1223R, Q1229R, Q1230R.
Identifiers: ClinVar variation 2573784 (VCV002573784.1), dbSNP rs2548119196, ClinGen allele CA394239460.